The following is an entry in ClinVar:

NM_004304.5(ALK):c.2710C>T (p.His904Tyr)

Gene: ALK (ALK receptor tyrosine kinase; minus strand). Cytogenetic location: 2p23.2.
Variant type: single nucleotide variant.
Coding change: c.2710C>T on transcript NM_004304.5 (MANE Select); coding-DNA position 2710, C replaced by T.
Protein change: p.His904Tyr; replaces histidine 904 with tyrosine.
Molecular consequence: missense variant.
Genome position (GRCh38, 1-based): chr2:29,228,989, G>A on the plus strand (C>T on the coding strand, the complement: ALK is on the minus strand). VCF-style: chr2-29228989-G-A. GRCh37 (hg19) VCF-style: chr2-29451855-G-A.
Other names: c.2710C>T (NM_004304.4); short protein forms H904Y.
Identifiers: ClinVar variation 1006268 (VCV001006268.13), dbSNP rs1474942302, ClinGen allele CA346469889.

ClinVar aggregate classification (germline): Uncertain significance. Review status: criteria provided, multiple submitters, no conflicts (2 of 4 stars). 5 submissions from 5 submitters: Uncertain significance (5). Last evaluated 2026-02-11.

Conditions:
Neuroblastoma, susceptibility to, 3. Also called: ALK-Related Neuroblastic Tumor Susceptibility. Identifiers: Orphanet 635, MedGen C2751681, MONDO:0013083, OMIM 613014.
Hereditary cancer-predisposing syndrome. Also called: Hereditary neoplastic syndrome; Neoplastic Syndromes, Hereditary; Tumor predisposition; Hereditary Cancer Syndrome. Identifiers: Orphanet 140162, MedGen C0027672, MeSH D009386, MONDO:0015356.

Allele frequency attached by ClinVar (database versions not stated): gnomAD 0.00001; TOPMed 0.00001.
gnomAD v4.1: 1 of 1,601,590 alleles (0.000062%); highest among the groups gnomAD compares: African/African-American, 0.0014%; no homozygotes.

Submissions (5):

St. Jude Molecular Pathology, St. Jude Children's Research Hospital
Classification: Uncertain significance for Neuroblastoma, susceptibility to, 3. Last evaluated: 2026-02-11. Review status: criteria provided, single submitter. Criteria: St. Jude Assertion Criteria 2020. Collection method: clinical testing. Allele origin: germline.
Comment: The ALK c.2710C>T p.(His904Tyr) missense change is absent in gnomAD v2.1.1. The in silico tool REVEL predicts a benign effect on protein function, but to our knowledge this prediction has not been confirmed by functional studies. To our knowledge, this variant has not been reported in individuals with ALK-related neuroblastic tumor susceptibility. In summary, the evidence currently available is insufficient to determine the clinical significance of this variant. It has therefore been classified as of uncertain significance.

Labcorp Genetics (formerly Invitae), Labcorp
Classification: Uncertain significance for Neuroblastoma, susceptibility to, 3. Last evaluated: 2026-01-26. Review status: criteria provided, single submitter. Criteria: Invitae Variant Classification Sherloc (09022015). Collection method: clinical testing. Allele origin: germline.
Comment: This sequence change replaces histidine, which is basic and polar, with tyrosine, which is neutral and polar, at codon 904 of the ALK protein (p.His904Tyr). This variant is not present in population databases (gnomAD no frequency). This variant has not been reported in the literature in individuals affected with ALK-related conditions. ClinVar contains an entry for this variant (Variation ID: 1006268). An algorithm developed to predict the effect of missense changes on protein structure and function (PolyPhen-2) suggests that this variant is likely to be disruptive. In summary, the available evidence is currently insufficient to determine the role of this variant in disease. Therefore, it has been classified as a Variant of Uncertain Significance.

Ambry Genetics
Classification: Uncertain significance for Hereditary cancer-predisposing syndrome. Last evaluated: 2025-05-26. Review status: criteria provided, single submitter. Criteria: Ambry Variant Classification Scheme 2023. Collection method: clinical testing. Allele origin: germline.
Comment: The p.H904Y variant (also known as c.2710C>T), located in coding exon 16 of the ALK gene, results from a C to T substitution at nucleotide position 2710. The histidine at codon 904 is replaced by tyrosine, an amino acid with similar properties. This amino acid position is conserved. In addition, this alteration is predicted to be tolerated by in silico analysis. Based on the available evidence, the clinical significance of this variant remains unclear.

Fulgent Genetics
Classification: Uncertain significance for Neuroblastoma, susceptibility to, 3. Last evaluated: 2024-05-01. Review status: criteria provided, single submitter. Criteria: ACMG Guidelines, 2015. Collection method: clinical testing. Allele origin: germline.

GeneDx
Classification: Uncertain significance. Last evaluated: 2023-08-05. Review status: criteria provided, single submitter. Criteria: GeneDx Variant Classification Process June 2021. Collection method: clinical testing. Allele origin: germline. Affected: yes.
Comment: Not observed at significant frequency in large population cohorts (gnomAD); In silico analysis supports that this missense variant does not alter protein structure/function; Has not been previously published as pathogenic or benign to our knowledge